The following is an entry in ClinVar:

ClinVar aggregate classification (germline): Uncertain significance (1 of 4 stars; one submission).

Conditions:
Xeroderma pigmentosum, group F (XPF). Also called: XERODERMA PIGMENTOSUM, COMPLEMENTATION GROUP F; XERODERMA PIGMENTOSUM VI; XP, GROUP F; XERODERMA PIGMENTOSUM, TYPE F; Xeroderma pigmentosum, type 6; ERCC4-Related Xeroderma Pigmentosum. Identifiers: MedGen C0268140, MONDO:0010215, OMIM 278760.
Fanconi anemia complementation group Q. Identifiers: Orphanet 84, MedGen C3808988, MONDO:0014108, OMIM 615272.
Cockayne syndrome. Identifiers: Orphanet 191, MedGen C0009207, MONDO:0016006.

gnomAD v4.1: 1 of 1,614,150 alleles (0.000062%); no homozygotes.

Submission:

Labcorp Genetics (formerly Invitae), Labcorp
Classification: Uncertain significance for Fanconi anemia complementation group Q; Xeroderma pigmentosum, group F; Cockayne syndrome. Last evaluated: 2021-08-14. Review status: criteria provided, single submitter. Criteria: Invitae Variant Classification Sherloc (09022015). Collection method: clinical testing. Allele origin: germline.
Comment: In summary, the available evidence is currently insufficient to determine the role of this variant in disease. Therefore, it has been classified as a Variant of Uncertain Significance. Algorithms developed to predict the effect of missense changes on protein structure and function (SIFT, PolyPhen-2, Align-GVGD) all suggest that this variant is likely to be tolerated, but these predictions have not been confirmed by published functional studies and their clinical significance is uncertain. This variant has not been reported in the literature in individuals with ERCC4-related conditions. This variant is not present in population databases (ExAC no frequency). This sequence change replaces glutamic acid with glutamine at codon 676 of the ERCC4 protein (p.Glu676Gln). The glutamic acid residue is moderately conserved and there is a small physicochemical difference between glutamic acid and glutamine.

NM_005236.3(ERCC4):c.2026G>C (p.Glu676Gln)

Gene: ERCC4 (ERCC excision repair 4, endonuclease catalytic subunit; plus strand). Cytogenetic location: 16p13.12.
Variant type: single nucleotide variant.
Coding change: c.2026G>C on transcript NM_005236.3 (MANE Select); coding-DNA position 2026, G replaced by C.
Protein change: p.Glu676Gln; replaces glutamic acid 676 with glutamine.
Molecular consequence: missense variant.
Genome position (GRCh38, 1-based): chr16:13,947,622, G>C. VCF-style: chr16-13947622-G-C. GRCh37 (hg19) VCF-style: chr16-14041479-G-C.
Other names: short protein forms E676Q.
Identifiers: ClinVar variation 1484498 (VCV001484498.8), dbSNP rs2141619663, ClinGen allele CA394820863.